The following is an entry in ClinVar:

ClinVar aggregate classification (germline): Conflicting classifications of pathogenicity. Review status: criteria provided, conflicting classifications (1 of 4 stars). 3 submissions from 3 submitters: Likely pathogenic (2); Uncertain significance (1). Last evaluated 2026-04-14.

Conditions:
Wilson disease (WND). Also called: Wilson's disease. Identifiers: Orphanet 905, MedGen C0019202, MONDO:0010200, OMIM 277900. Disease mechanism: loss of function.

Submissions (3):

Myriad Genetics, Inc.
Classification: Uncertain significance for Wilson disease. Last evaluated: 2026-04-14. Review status: criteria provided, single submitter. Criteria: Myriad Autosomal Dominant, Autosomal Recessive and X-Linked Classification Criteria (2023). Collection method: clinical testing. Allele origin: unknown.
Comment: NM_000053.3(ATP7B):c.2300C>G(P767R) is a missense variant classified as a variant of uncertain significance in the context of Wilson disease. P767R has been observed in cases with relevant disease (PMID: 29085216, Lildballe_2026_(Article)). Relevant functional assessments of this variant are not available in the literature. P767R has not been observed in referenced population frequency databases. In summary, there is insufficient evidence to classify NM_000053.3(ATP7B):c.2300C>G(P767R) as pathogenic or benign. Please note: this variant was assessed in the context of healthy population screening.

Lildballe Lab, Aarhus University Hospital
Classification: Likely pathogenic for Wilson disease. Last evaluated: 2024-08-29. Review status: criteria provided, single submitter. Criteria: ACMG Guidelines, 2015. Collection method: clinical testing. Allele origin: germline. Affected: yes.
Comment: PM1, PM2, PM5

Labcorp Genetics (formerly Invitae), Labcorp
Classification: Likely pathogenic for Wilson disease. Last evaluated: 2024-05-23. Review status: criteria provided, single submitter. Criteria: Invitae Variant Classification Sherloc (09022015). Collection method: clinical testing. Allele origin: germline.
Comment: This sequence change replaces proline, which is neutral and non-polar, with arginine, which is basic and polar, at codon 767 of the ATP7B protein (p.Pro767Arg). This variant is not present in population databases (gnomAD no frequency). This missense change has been observed in individual(s) with Wilson disease (PMID: 29085216). ClinVar contains an entry for this variant (Variation ID: 1495808). Advanced modeling of protein sequence and biophysical properties (such as structural, functional, and spatial information, amino acid conservation, physicochemical variation, residue mobility, and thermodynamic stability) performed at Invitae indicates that this missense variant is expected to disrupt ATP7B protein function with a positive predictive value of 80%. This variant disrupts the p.Pro767 amino acid residue in ATP7B. Other variant(s) that disrupt this residue have been determined to be pathogenic (PMID: 25497208; Invitae). This suggests that this residue is clinically significant, and that variants that disrupt this residue are likely to be disease-causing. In summary, the currently available evidence indicates that the variant is pathogenic, but additional data are needed to prove that conclusively. Therefore, this variant has been classified as Likely Pathogenic.

Literature cited by the submitters: PubMed 29085216 (cited by Labcorp Genetics (formerly Invitae), Labcorp); PubMed 25497208 (cited by Labcorp Genetics (formerly Invitae), Labcorp).

NM_000053.4(ATP7B):c.2300C>G (p.Pro767Arg)

Gene: ATP7B (ATPase copper transporting beta; minus strand). Cytogenetic location: 13q14.3.
Variant type: single nucleotide variant.
Coding change: c.2300C>G on transcript NM_000053.4 (MANE Select); coding-DNA position 2300, C replaced by G.
Protein change: p.Pro767Arg; replaces proline 767 with arginine.
Molecular consequence: missense variant. On other transcripts: intron variant (2).
Genome position (GRCh38, 1-based): chr13:51,958,366, G>C on the plus strand (C>G on the coding strand, the complement: ATP7B is on the minus strand). VCF-style: chr13-51958366-G-C. GRCh37 (hg19) VCF-style: chr13-52532502-G-C.
Other names: c.1967C>G, p.Pro656Arg (NM_001243182.2); c.2048C>G, p.Pro683Arg (NM_001330579.2); c.1870-759C>G (NM_001005918.3); c.2122-759C>G (NM_001330578.2); short protein forms P683R, P656R, P767R.
Identifiers: ClinVar variation 1495808 (VCV001495808.7), dbSNP rs776668666, ClinGen allele CA388021793.
Genomic context (GRCh38, chr13:51,958,366, plus strand): 5'-GTTACCTTTGCCAAGTGTTCCAGCCACCGGCCCAGGGCAATGAACACAAAGAGCATGGGG[G>C]GCGTGTCGAAGAATGTCACAGGGCTCCTCTCCGCCTTCTCAGCCACAGCAACCACCAGGA-3'
Protein context (NP_000044.2, residues 757-777): ERSPVTFFDT[Pro767Arg]PMLFVFIALG